The following is an entry in ClinVar:

NM_001353921.2(ARHGEF9):c.816-9T>C

Gene: ARHGEF9 (Cdc42 guanine nucleotide exchange factor 9; minus strand). Cytogenetic location: Xq11.1.
Variant type: single nucleotide variant.
Coding change: c.816-9T>C on transcript NM_001353921.2 (MANE Select); 9 bases into the intron before coding-DNA position 816, T replaced by C.
Molecular consequence: intron variant.
Genome position (GRCh38, 1-based): chrX:63,674,176, A>G on the plus strand (T>C on the coding strand, the complement: ARHGEF9 is on the minus strand). VCF-style: chrX-63674176-A-G. GRCh37 (hg19) VCF-style: chrX-62894056-A-G.
Other names: c.489-9T>C (NM_001173480.2, NM_001369042.1); c.732-9T>C (NM_001353927.2, NM_001369033.1, NM_001369036.1 and 8 more transcripts); c.615-9T>C (NM_001353926.2, NM_001353924.2, NM_001369040.1 and 1 more transcripts); c.795-9T>C (NM_001369032.1, NM_001353928.2, NM_015185.3 and 2 more transcripts); c.636-9T>C (NM_001173479.2); c.816-9T>C (NM_001353922.2); c.834-9T>C (NM_001353923.1); c.381-9T>C (NM_001369045.1).
Identifiers: ClinVar variation 385871 (VCV000385871.7), dbSNP rs1057522347, ClinGen allele CA16608967.

ClinVar aggregate classification (germline): Conflicting classifications of pathogenicity. Review status: criteria provided, conflicting classifications (1 of 4 stars). 3 submissions from 3 submitters: Uncertain significance (1); Likely benign (2). Last evaluated 2022-09-01.

Conditions:
Developmental and epileptic encephalopathy, 8 (DEE8). Also called: HYPEREKPLEXIA AND EPILEPSY. Identifiers: Orphanet 163985, Orphanet 2076, MedGen C1845102, MONDO:0010375, OMIM 300607.

Submissions (3):

Labcorp Genetics (formerly Invitae), Labcorp
Classification: Likely benign for Developmental and epileptic encephalopathy, 8. Last evaluated: 2022-09-01. Review status: criteria provided, single submitter. Criteria: Invitae Variant Classification Sherloc (09022015). Collection method: clinical testing. Allele origin: germline.

Baylor Genetics
Classification: Uncertain significance for Developmental and epileptic encephalopathy, 8. Last evaluated: 2020-02-21. Review status: criteria provided, single submitter. Criteria: ACMG Guidelines, 2015. Collection method: clinical testing. Allele origin: unknown. Affected: yes.
Comment: This variant was determined to be of uncertain significance according to ACMG Guidelines, 2015 [PMID:25741868].

GeneDx
Classification: Likely benign. Last evaluated: 2016-05-06. Review status: criteria provided, single submitter. Criteria: GeneDx Variant Classification (06012015). Collection method: clinical testing. Allele origin: germline. Affected: yes.
Comment: This variant is considered likely benign or benign based on one or more of the following criteria: it is a conservative change, it occurs at a poorly conserved position in the protein, it is predicted to be benign by multiple in silico algorithms, and/or has population frequency not consistent with disease.